The following is an entry in ClinVar:

ClinVar aggregate classification (germline): Likely pathogenic. Review status: criteria provided, multiple submitters, no conflicts (2 of 4 stars). 3 submissions from 3 submitters: Likely pathogenic (2). 1 of the submissions does not count toward it. Last evaluated 2024-05-16.

Conditions:
Autosomal recessive nonsyndromic hearing loss 2. Also called: DEAFNESS, AUTOSOMAL RECESSIVE 2; NEUROSENSORY NONSYNDROMIC RECESSIVE DEAFNESS 2. Identifiers: Orphanet 90636, MedGen C1838701, MONDO:0010807, OMIM 600060.
Usher syndrome type 1 (USH1). Also called: RETINITIS PIGMENTOSA AND CONGENITAL DEAFNESS. Identifiers: Orphanet 231169, Orphanet 886, MedGen C1568247, MONDO:0010168, OMIM 276900.
Usher syndrome type 1B (USH1B). Also called: Usher syndrome type IB. Identifiers: MedGen C1848638, MONDO:0700087.

Allele frequency attached by ClinVar (database versions not stated): gnomAD 0.00001.

Submissions (3):

Natera, Inc.
Classification: Likely pathogenic for Usher syndrome type 1B. Last evaluated: 2024-05-16. Review status: criteria provided, single submitter. Criteria: Natera Variant Classification Schema (03/2026). Collection method: clinical testing. Allele origin: germline.
Comment: The c.5857-2A>G variant in MYO7A is a canonical splice acceptor site variant predicted to affect pre-mRNA splicing, which may result in an abnormal transcript and altered protein product. This variant is expected to result in nonsense mediated decay, truncation, or a dysfunctional protein product. This variant is rare in the general population with a frequency below the threshold expected for the associated phenotype(s). Given the available evidence, this variant is classified as Likely Pathogenic.

Labcorp Genetics (formerly Invitae), Labcorp
Classification: Likely pathogenic. Last evaluated: 2023-09-01. Review status: criteria provided, single submitter. Criteria: Invitae Variant Classification Sherloc (09022015). Collection method: clinical testing. Allele origin: germline.
Comment: This variant has not been reported in the literature in individuals affected with MYO7A-related conditions. This sequence change affects an acceptor splice site in intron 42 of the MYO7A gene. It is expected to disrupt RNA splicing. Variants that disrupt the donor or acceptor splice site typically lead to a loss of protein function (PMID: 16199547), and loss-of-function variants in MYO7A are known to be pathogenic (PMID: 8900236, 25404053). This variant is not present in population databases (gnomAD no frequency). ClinVar contains an entry for this variant (Variation ID: 555972). Algorithms developed to predict the effect of sequence changes on RNA splicing suggest that this variant may disrupt the consensus splice site. In summary, the currently available evidence indicates that the variant is pathogenic, but additional data are needed to prove that conclusively. Therefore, this variant has been classified as Likely Pathogenic.

Counsyl
Classification: Likely pathogenic for Usher syndrome type 1; Autosomal recessive nonsyndromic hearing loss 2. Last evaluated: 2018-01-05. Review status: no assertion criteria provided. Collection method: clinical testing. Allele origin: unknown. Not counted in ClinVar's aggregate classification.

Literature cited by the submitters: PubMed 16199547 (cited by Labcorp Genetics (formerly Invitae), Labcorp); PubMed 8900236 (cited by Labcorp Genetics (formerly Invitae), Labcorp); PubMed 25404053 (cited by Labcorp Genetics (formerly Invitae), Labcorp).

NM_000260.4(MYO7A):c.5857-2A>G

Gene: MYO7A (myosin VIIA; plus strand). Cytogenetic location: 11q13.5.
Variant type: single nucleotide variant.
Coding change: c.5857-2A>G on transcript NM_000260.4 (MANE Select); the canonical splice acceptor site of the intron before coding-DNA position 5857, A replaced by G.
Molecular consequence: splice acceptor variant.
Genome position (GRCh38, 1-based): chr11:77,208,428, A>G. VCF-style: chr11-77208428-A-G. GRCh37 (hg19) VCF-style: chr11-76919473-A-G.
Other names: c.5710-2A>G (NM_001369365.1); c.5743-2A>G (NM_001127180.2).
Identifiers: ClinVar variation 555972 (VCV000555972.8), dbSNP rs1555107286, ClinGen allele CA381932457.